The following is an entry in ClinVar:

NM_001034853.2(RPGR):c.247+5G>T

Gene: RPGR (retinitis pigmentosa GTPase regulator; minus strand). Cytogenetic location: Xp11.4.
Variant type: single nucleotide variant.
Coding change: c.247+5G>T on transcript NM_001034853.2 (MANE Select); 5 bases into the intron after coding-DNA position 247, G replaced by T.
Molecular consequence: intron variant.
Genome position (GRCh38, 1-based): chrX:38,322,848, C>A on the plus strand (G>T on the coding strand, the complement: RPGR is on the minus strand). VCF-style: chrX-38322848-C-A. GRCh37 (hg19) VCF-style: chrX-38182101-C-A.
Other names: c.247+5G>T (NM_001367249.1, NM_001367250.1, NM_001367245.1 and 4 more transcripts); c.277+5G>T (NM_001367248.1).
Identifiers: ClinVar variation 2763145 (VCV002763145.3), dbSNP rs2067974156, ClinGen allele CA2697553056.

ClinVar aggregate classification (germline): Uncertain significance (1 of 4 stars; one submission).

Conditions:
Primary ciliary dyskinesia. Also called: Ciliary dyskinesia. Identifiers: Orphanet 244, MedGen C0008780, MONDO:0016575, HP:0012265.

Submission:

Labcorp Genetics (formerly Invitae), Labcorp
Classification: Uncertain significance for Primary ciliary dyskinesia. Last evaluated: 2023-09-24. Review status: criteria provided, single submitter. Criteria: Invitae Variant Classification Sherloc (09022015). Collection method: clinical testing. Allele origin: germline.
Comment: This variant has been observed in individual(s) with retinitis pigmentosa (Invitae). In summary, the available evidence is currently insufficient to determine the role of this variant in disease. Therefore, it has been classified as a Variant of Uncertain Significance. This variant disrupts the c.247+5G nucleotide in the RPGR gene. Other variant(s) that disrupt this nucleotide have been determined to be pathogenic (PMID: 33467000; Invitae). This suggests that this nucleotide is clinically significant, and that variants that disrupt this position are likely to be disease-causing. Variants that disrupt the consensus splice site are a relatively common cause of aberrant splicing (PMID: 17576681, 9536098). Algorithms developed to predict the effect of sequence changes on RNA splicing suggest that this variant may disrupt the consensus splice site. This variant is not present in population databases (gnomAD no frequency). This sequence change falls in intron 3 of the RPGR gene. It does not directly change the encoded amino acid sequence of the RPGR protein. It affects a nucleotide within the consensus splice site.

Literature cited by the submitters: PubMed 33467000; PubMed 17576681; PubMed 9536098.